The following is an entry in ClinVar:

ClinVar aggregate classification (germline): Likely pathogenic (1 of 4 stars; one submission).

Conditions:
Peutz-Jeghers syndrome (PJS). Also called: POLYPOSIS, HAMARTOMATOUS INTESTINAL; POLYPS-AND-SPOTS SYNDROME; Peutz-Jeghers polyposis; Periorificial lentiginosis syndrome. Identifiers: Orphanet 2869, MedGen C0031269, MeSH D010580, MONDO:0008280, OMIM 175200.

Submission:

Myriad Genetics, Inc.
Classification: Likely pathogenic for Peutz-Jeghers syndrome. Last evaluated: 2024-02-12. Review status: criteria provided, single submitter. Criteria: Myriad Autosomal Dominant, Autosomal Recessive and X-Linked Classification Criteria (2023). Collection method: clinical testing. Allele origin: unknown.
Comment: This variant is considered likely pathogenic. This variant occurs within a consensus splice junction and is predicted to result in abnormal mRNA splicing of either an out-of-frame exon or an in-frame exon necessary for protein stability and/or normal function.

NM_000455.5(STK11):c.1109-1G>A

Gene: STK11 (serine/threonine kinase 11; plus strand). Cytogenetic location: 19p13.3.
Variant type: single nucleotide variant.
Coding change: c.1109-1G>A on transcript NM_000455.5 (MANE Select); the canonical splice acceptor site of the intron before coding-DNA position 1109, G replaced by A.
Molecular consequence: splice acceptor variant.
Genome position (GRCh38, 1-based): chr19:1,226,453, G>A. VCF-style: chr19-1226453-G-A. GRCh37 (hg19) VCF-style: chr19-1226452-G-A.
Identifiers: ClinVar variation 3148085 (VCV003148085.1), dbSNP rs2145435791, ClinGen allele CA402953093.